The following is an entry in ClinVar:

ClinVar aggregate classification (germline): Benign (1 of 4 stars; one submission).

Conditions:
Autosomal dominant pseudohypoaldosteronism type 1. Also called: Pseudohypoaldosteronism, Type I, Autosomal Dominant; PHA I, AUTOSOMAL DOMINANT; Pseudohypoaldosteronism, Type I, Dominant. Identifiers: Orphanet 171871, Orphanet 756, MedGen C1449842, MONDO:0008329, OMIM 177735.

Allele frequency attached by ClinVar (database versions not stated): gnomAD 0.00200 and 0.00272; TOPMed 0.00240; 1000 Genomes Project 0.00459; 1000 Genomes Project 30x 0.00531.

Submission:

Illumina Laboratory Services, Illumina
Classification: Benign for Autosomal dominant pseudohypoaldosteronism type 1. Last evaluated: 2018-01-12. Review status: criteria provided, single submitter. Criteria: ICSL Variant Classification Criteria 13 December 2019. Collection method: clinical testing. Allele origin: germline.
Comment: This variant was observed in the ICSL laboratory as part of a predisposition screen in an ostensibly healthy population. It had not been previously curated by ICSL or reported in the Human Gene Mutation Database (HGMD: prior to June 1st, 2018), and was therefore a candidate for classification through an automated scoring system. Utilizing variant allele frequency, disease prevalence and penetrance estimates, and inheritance mode, an automated score was calculated to assess if this variant is too frequent to cause the disease. Based on the score and internal cut-off values, a variant classified as benign is not then subjected to further curation. The score for this variant resulted in a classification of benign for this disease.

NM_000901.5(NR3C2):c.-3+10G>A

Gene: NR3C2 (nuclear receptor subfamily 3 group C member 2; minus strand). Cytogenetic location: 4q31.23.
Variant type: single nucleotide variant.
Coding change: c.-3+10G>A on transcript NM_000901.5 (MANE Select); 10 bases into the intron after 3 bases upstream of the start codon, G replaced by A.
Molecular consequence: intron variant.
Genome position (GRCh38, 1-based): chr4:148,442,150, C>T on the plus strand (G>A on the coding strand, the complement: NR3C2 is on the minus strand). VCF-style: chr4-148442150-C-T. GRCh37 (hg19) VCF-style: chr4-149363302-C-T.
Other names: c.-3+2376G>A (NM_001354819.1); c.-3+10G>A (NM_001166104.2).
Identifiers: ClinVar variation 347739 (VCV000347739.5), dbSNP rs72646913, ClinGen allele CA10620246.